The following is an entry in ClinVar:

ClinVar aggregate classification (germline): Pathogenic (1 of 4 stars; one submission).

Conditions:
Hereditary cancer-predisposing syndrome. Also called: Neoplastic Syndromes, Hereditary; Tumor predisposition; Hereditary Cancer Syndrome; Hereditary neoplastic syndrome. Identifiers: Orphanet 140162, MedGen C0027672, MeSH D009386, MONDO:0015356.

Submission:

Ambry Genetics
Classification: Pathogenic for Hereditary cancer-predisposing syndrome. Last evaluated: 2019-08-30. Review status: criteria provided, single submitter. Criteria: Ambry Variant Classification Scheme 2023. Collection method: clinical testing. Allele origin: germline.
Comment: The c.3261_3305del45ins45 pathogenic mutation, located in coding exon 5 of the MSH6 gene, results from an in-frame deletion of CTTCTTAGAGCTTAAAGGATCACGCCATCCTTGCATTACGAAGAC and insertion of TTCTTAGAGCTTAAAGGATCACGCCATCCTTGCATTACGAAGACT, that ultimately results in a deletion of C at nucleotide position 3261 and insertion of T at nucleotide position 3312, introducing a predicted alternate stop codon (p.F1088_T1102delinsS*). This alteration is expected to result in loss of function by premature protein truncation or nonsense-mediated mRNA decay. As such, this alteration is interpreted as a disease-causing mutation.

NM_000179.3(MSH6):c.3261_3305delinsTTCTTAGAGCTTAAAGGATCACGCCATCCTTGCATTACGAAGACT (p.Phe1088_Thr1102delinsSerTer)

Gene: MSH6 (mutS homolog 6; plus strand). Cytogenetic location: 2p16.3.
Variant type: Indel.
Coding change: c.3261_3305delinsTTCTTAGAGCTTAAAGGATCACGCCATCCTTGCATTACGAAGACT on transcript NM_000179.3 (MANE Select); coding-DNA positions 3261 to 3305, the reference bases replaced by an inserted sequence.
Protein change: p.Phe1088_Thr1102delinsSerTer.
Molecular consequence: nonsense.
Genome position (GRCh38, 1-based): chr2:47,803,508-47,803,552, 45 bases replaced. GRCh37 (hg19): chr2:48,030,647-48,030,691.
Other names: c.2871_2915delinsTTCTTAGAGCTTAAAGGATCACGCCATCCTTGCATTACGAAGACT, p.Phe958_Thr972delinsSerTer (NM_001281492.2); c.2355_2399delinsTTCTTAGAGCTTAAAGGATCACGCCATCCTTGCATTACGAAGACT, p.Phe786_Thr800delinsSerTer (NM_001281493.2, NM_001281494.2); c.3357_3401del45insTTCTTAGAGCTTAAAGGATCACGCCATCCTTGCATTACGAAGACT, p.Phe1120_Leu1121delinsSerTer (NM_001406795.1, NM_001406802.1); c.3261_3305del45insTTCTTAGAGCTTAAAGGATCACGCCATCCTTGCATTACGAAGACT, p.Phe1088_Leu1089delinsSerTer (NM_001406796.1, NM_001406800.1, NM_001406808.1 and 1 more transcripts); c.2964_3008del45insTTCTTAGAGCTTAAAGGATCACGCCATCCTTGCATTACGAAGACT, p.Phe989_Leu990delinsSerTer (NM_001406797.1, NM_001406801.1, NM_001406805.1 and 10 more transcripts); c.2736_2780del45insTTCTTAGAGCTTAAAGGATCACGCCATCCTTGCATTACGAAGACT, p.Phe913_Leu914delinsSerTer (NM_001406799.1, NM_001406806.1, NM_001406807.1); c.2397_2441del45insTTCTTAGAGCTTAAAGGATCACGCCATCCTTGCATTACGAAGACT, p.Phe800_Leu801delinsSerTer (NM_001406803.1); c.3183_3227del45insTTCTTAGAGCTTAAAGGATCACGCCATCCTTGCATTACGAAGACT, p.Phe1062_Leu1063delinsSerTer (NM_001406804.1); and 7 more.
Identifiers: ClinVar variation 1729531 (VCV001729531.2), dbSNP rs2530764023, ClinGen allele CA2580067013.